The following is an entry in ClinVar:

ClinVar aggregate classification (germline): Uncertain significance (1 of 4 stars; one submission).

Allele frequency attached by ClinVar (database versions not stated): ExAC 0.00002; gnomAD 0.00002; TOPMed 0.00002; ESP Exome Variant Server 0.00008.
gnomAD v4.1: 11 of 1,613,238 alleles (0.00068%); highest among the groups gnomAD compares: African/African-American, 0.0093%; no homozygotes.

Submission:

Labcorp Genetics (formerly Invitae), Labcorp
Classification: Uncertain significance. Last evaluated: 2025-01-27. Review status: criteria provided, single submitter. Criteria: Invitae Variant Classification Sherloc (09022015). Collection method: clinical testing. Allele origin: germline.
Comment: This sequence change falls in intron 9 of the SUCLG2 gene. It does not directly change the encoded amino acid sequence of the SUCLG2 protein. It affects a nucleotide within the consensus splice site. This variant is present in population databases (rs376098444, gnomAD 0.01%). This variant has not been reported in the literature in individuals affected with SUCLG2-related conditions. ClinVar contains an entry for this variant (Variation ID: 2149742). Variants that disrupt the consensus splice site are a relatively common cause of aberrant splicing (PMID: 17576681, 9536098). Algorithms developed to predict the effect of sequence changes on RNA splicing suggest that this variant is not likely to affect RNA splicing. In summary, the available evidence is currently insufficient to determine the role of this variant in disease. Therefore, it has been classified as a Variant of Uncertain Significance.

Literature cited by the submitters: PubMed 17576681; PubMed 9536098.

NM_003848.4(SUCLG2):c.1062+5C>T

Gene: SUCLG2 (succinate-CoA ligase GDP-forming subunit beta; minus strand). Cytogenetic location: 3p14.1.
Variant type: single nucleotide variant.
Coding change: c.1062+5C>T on transcript NM_003848.4 (MANE Select); 5 bases into the intron after coding-DNA position 1062, C replaced by T.
Molecular consequence: intron variant.
Genome position (GRCh38, 1-based): chr3:67,495,793, G>A on the plus strand (C>T on the coding strand, the complement: SUCLG2 is on the minus strand). VCF-style: chr3-67495793-G-A. GRCh37 (hg19) VCF-style: chr3-67546217-G-A.
Other names: c.1062+5C>T (NM_001177599.2).
Identifiers: ClinVar variation 2149742 (VCV002149742.4), dbSNP rs376098444, ClinGen allele CA2485818.